The following is an entry in ClinVar:

ClinVar aggregate classification (germline): Uncertain significance (1 of 4 stars; one submission).

Conditions:
Aicardi-Goutieres syndrome 5. Identifiers: Orphanet 51, MedGen C2749659, MONDO:0013059, OMIM 612952.

Submission:

Labcorp Genetics (formerly Invitae), Labcorp
Classification: Uncertain significance for Aicardi-Goutieres syndrome 5. Last evaluated: 2025-01-26. Review status: criteria provided, single submitter. Criteria: Invitae Variant Classification Sherloc (09022015). Collection method: clinical testing. Allele origin: germline.
Comment: This sequence change falls in intron 4 of the SAMHD1 gene. It does not directly change the encoded amino acid sequence of the SAMHD1 protein. It affects a nucleotide within the consensus splice site. This variant is not present in population databases (gnomAD no frequency). This variant has not been reported in the literature in individuals affected with SAMHD1-related conditions. Variants that disrupt the consensus splice site are a relatively common cause of aberrant splicing (PMID: 17576681, 9536098). Algorithms developed to predict the effect of sequence changes on RNA splicing suggest that this variant may disrupt the consensus splice site. In summary, the available evidence is currently insufficient to determine the role of this variant in disease. Therefore, it has been classified as a Variant of Uncertain Significance.

Literature cited by the submitters: PubMed 17576681; PubMed 9536098.

NM_015474.4(SAMHD1):c.509+4A>G

Gene: SAMHD1 (SAM and HD domain containing deoxynucleoside triphosphate triphosphohydrolase 1; minus strand). Cytogenetic location: 20q11.23.
Variant type: single nucleotide variant.
Coding change: c.509+4A>G on transcript NM_015474.4 (MANE Select); 4 bases into the intron after coding-DNA position 509, A replaced by G.
Molecular consequence: intron variant.
Genome position (GRCh38, 1-based): chr20:36,935,025, T>C on the plus strand (A>G on the coding strand, the complement: SAMHD1 is on the minus strand). VCF-style: chr20-36935025-T-C. GRCh37 (hg19) VCF-style: chr20-35563428-T-C.
Other names: c.509+4A>G (NM_001363729.2, NM_001363733.2).
Identifiers: ClinVar variation 3729630 (VCV003729630.2).